The following is an entry in ClinVar:

ClinVar aggregate classification (germline): Uncertain significance (1 of 4 stars; one submission).

Conditions:
Charcot-Marie-Tooth disease dominant intermediate E. Also called: CHARCOT-MARIE-TOOTH NEUROPATHY WITH FOCAL SEGMENTAL GLOMERULONEPHRITIS. Identifiers: Orphanet 93114, MedGen C4302667, MONDO:0013758, OMIM 614455.
Focal segmental glomerulosclerosis 5 (FSGS5). Identifiers: Orphanet 656, MedGen C2750475, MONDO:0013191, OMIM 613237.

gnomAD v4.1: 7 of 1,606,068 alleles (0.00044%); highest among the groups gnomAD compares: Non-Finnish European, 0.00059%; no homozygotes.

Submission:

Labcorp Genetics (formerly Invitae), Labcorp
Classification: Uncertain significance for Charcot-Marie-Tooth disease dominant intermediate E; Focal segmental glomerulosclerosis 5. Last evaluated: 2022-11-30. Review status: criteria provided, single submitter. Criteria: Invitae Variant Classification Sherloc (09022015). Collection method: clinical testing. Allele origin: germline.
Comment: This variant has not been reported in the literature in individuals affected with INF2-related conditions. This variant is not present in population databases (gnomAD no frequency). This sequence change replaces proline, which is neutral and non-polar, with glutamine, which is neutral and polar, at codon 350 of the INF2 protein (p.Pro350Gln). In summary, the available evidence is currently insufficient to determine the role of this variant in disease. Therefore, it has been classified as a Variant of Uncertain Significance. Advanced modeling of protein sequence and biophysical properties (such as structural, functional, and spatial information, amino acid conservation, physicochemical variation, residue mobility, and thermodynamic stability) performed at Invitae indicates that this missense variant is not expected to disrupt INF2 protein function.

NM_022489.4(INF2):c.1049C>A (p.Pro350Gln)

Gene: INF2 (inverted formin 2; plus strand). Cytogenetic location: 14q32.33.
Variant type: single nucleotide variant.
Coding change: c.1049C>A on transcript NM_022489.4 (MANE Select); coding-DNA position 1049, C replaced by A.
Protein change: p.Pro350Gln; replaces proline 350 with glutamine.
Molecular consequence: missense variant.
Genome position (GRCh38, 1-based): chr14:104,707,316, C>A. VCF-style: chr14-104707316-C-A. GRCh37 (hg19) VCF-style: chr14-105173653-C-A.
Other names: c.1049C>A, p.Pro350Gln (NM_001031714.4, NM_001426862.1, NM_001426863.1 and 2 more transcripts); short protein forms P350Q.
Identifiers: ClinVar variation 2937023 (VCV002937023.3), dbSNP rs146529868, ClinGen allele CA391215742.